The following is an entry in ClinVar:

NM_001267550.2(TTN):c.1398G>A (p.Gln466=)

Gene: TTN (titin; minus strand). Cytogenetic location: 2q31.2.
Variant type: single nucleotide variant.
Coding change: c.1398G>A on transcript NM_001267550.2 (MANE Select); coding-DNA position 1398, G replaced by A.
Protein change: p.Gln466=; no amino-acid change (glutamine 466 retained).
Molecular consequence: synonymous variant.
Genome position (GRCh38, 1-based): chr2:178,794,399, C>T on the plus strand (G>A on the coding strand, the complement: TTN is on the minus strand). VCF-style: chr2-178794399-C-T. GRCh37 (hg19) VCF-style: chr2-179659126-C-T.
Other names: c.1398G>A, p.Gln466= (NM_001256850.1, NM_003319.4, NM_133378.4 and 3 more transcripts).
Identifiers: ClinVar variation 3759314 (VCV003759314.3).

ClinVar aggregate classification (germline): Uncertain significance. Review status: criteria provided, multiple submitters, no conflicts (2 of 4 stars). 2 submissions from 2 submitters: Uncertain significance (2). Last evaluated 2025-09-09.

Conditions:
Cardiovascular phenotype. Identifiers: MedGen CN230736.
Dilated cardiomyopathy 1G (CMD1G). Identifiers: Orphanet 154, MedGen C1858763, MONDO:0011400, OMIM 604145.
Autosomal recessive limb-girdle muscular dystrophy type 2J (LGMDR10). Also called: Limb-girdle muscular dystrophy, type 2J; MUSCULAR DYSTROPHY, LIMB-GIRDLE, AUTOSOMAL RECESSIVE 10. Identifiers: Orphanet 140922, MedGen C1837342, MONDO:0012127, OMIM 608807.

Submissions (2):

Labcorp Genetics (formerly Invitae), Labcorp
Classification: Uncertain significance for Dilated cardiomyopathy 1G; Autosomal recessive limb-girdle muscular dystrophy type 2J. Last evaluated: 2025-09-09. Review status: criteria provided, single submitter. Criteria: Invitae Variant Classification Sherloc (09022015). Collection method: clinical testing. Allele origin: germline.
Comment: This sequence change affects codon 466 of the TTN mRNA. It is a 'silent' change, meaning that it does not change the encoded amino acid sequence of the TTN protein. This variant also falls at the last nucleotide of exon 8, which is part of the consensus splice site for this exon. This variant is not present in population databases (gnomAD no frequency). This variant has not been reported in the literature in individuals affected with TTN-related conditions. ClinVar contains an entry for this variant (Variation ID: 3759314). Variants that disrupt the consensus splice site are a relatively common cause of aberrant splicing (PMID: 17576681, 9536098). Algorithms developed to predict the effect of sequence changes on RNA splicing suggest that this variant may create or strengthen a splice site. This variant is located in the Z band of TTN (PMID: 25589632). Non-truncating variants in this region may be clinically relevant, but have not been definitively shown to cause cardiomyopathy or neuromuscular disease (PMID: 27493940, 32778822). In summary, the available evidence is currently insufficient to determine the role of this variant in disease. Therefore, it has been classified as a Variant of Uncertain Significance.

Molecular Diagnostic Laboratory for Inherited Cardiovascular Disease, Montreal Heart Institute
Classification: Uncertain significance for Cardiovascular phenotype. Last evaluated: 2025-04-09. Review status: criteria provided, single submitter. Criteria: ACMG Guidelines, 2015. Collection method: clinical testing. Allele origin: germline. Affected: yes.

Literature cited by the submitters: PubMed 17576681 (cited by Labcorp Genetics (formerly Invitae), Labcorp); PubMed 9536098 (cited by Labcorp Genetics (formerly Invitae), Labcorp); PubMed 25589632 (cited by Labcorp Genetics (formerly Invitae), Labcorp); PubMed 27493940 (cited by Labcorp Genetics (formerly Invitae), Labcorp); PubMed 32778822 (cited by Labcorp Genetics (formerly Invitae), Labcorp).